The following is an entry in ClinVar:

ClinVar aggregate classification (germline): Uncertain significance. Review status: criteria provided, multiple submitters, no conflicts (2 of 4 stars). 2 submissions from 2 submitters: Uncertain significance (2). Last evaluated 2025-03-04.

Conditions:
Familial adenomatous polyposis 1 (FAP1). Also called: FAMILIAL ADENOMATOUS POLYPOSIS 1, ATTENUATED; POLYPOSIS, ADENOMATOUS INTESTINAL. Identifiers: MedGen C2713442, MONDO:0021056, OMIM 175100. Disease mechanism: loss of function.

Allele frequency attached by ClinVar (database versions not stated): gnomAD 0.00001; TOPMed below 0.00001.
gnomAD v4.1: 2 of 1,362,968 alleles (0.00015%); highest among the groups gnomAD compares: Non-Finnish European, 0.00019%; no homozygotes.

Submissions (2):

Center for Genomic Medicine, Rigshospitalet, Copenhagen University Hospital
Classification: Uncertain significance. Last evaluated: 2025-03-04. Review status: criteria provided, single submitter. Criteria: ACMG Guidelines, 2015. Collection method: clinical testing. Allele origin: germline.

Labcorp Genetics (formerly Invitae), Labcorp
Classification: Uncertain significance for Familial adenomatous polyposis 1. Last evaluated: 2024-02-02. Review status: criteria provided, single submitter. Criteria: Invitae Variant Classification Sherloc (09022015). Collection method: clinical testing. Allele origin: germline.
Comment: This variant occurs in a non-coding region of the APC gene. It does not change the encoded amino acid sequence of the APC protein. This variant is not present in population databases (gnomAD no frequency). This variant has not been reported in the literature in individuals affected with APC-related conditions. ClinVar contains an entry for this variant (Variation ID: 641235). Experimental studies and prediction algorithms are not available or were not evaluated, and the functional significance of this variant is currently unknown. In summary, the available evidence is currently insufficient to determine the role of this variant in disease. Therefore, it has been classified as a Variant of Uncertain Significance.

NM_001127511.3(APC):c.-68G>C

Gene: APC (APC regulator of Wnt signaling pathway; plus strand). Cytogenetic location: 5q22.2.
Variant type: single nucleotide variant.
Coding change: c.-68G>C on transcript NM_001127511.3; 68 bases upstream of the start codon, G replaced by C.
Molecular consequence: 5 prime UTR variant. On other transcripts: non-coding transcript variant (1), splice donor variant (5).
Genome position (GRCh38, 1-based): chr5:112,707,650, G>C. VCF-style: chr5-112707650-G-C. GRCh37 (hg19) VCF-style: chr5-112043347-G-C.
Other names: c.-251G>C (NM_001354895.2, NM_001407447.1, NM_001407452.1 and 3 more transcripts); c.-68G>C (NM_001354897.2, NM_001354902.2, NM_001407446.1); c.-1286G>C (NM_001407470.1, NM_001407472.1); c.-19+1G>C (NM_001407448.1, NM_001407450.1, NM_001407457.1 and 1 more transcripts); c.-43+1G>C (NM_001407453.1).
Identifiers: ClinVar variation 641235 (VCV000641235.12), dbSNP rs1163893701, ClinGen allele CA802057225.
Genomic context (GRCh38, chr5:112,707,650, plus strand): 5'-GGGACCTGCGGGCTCAGGCCCGGGAGCTGCGGACCGAGGTTGGCTCGATGCTGTTCCCAG[G>C]TACTGTTGTTGGCTGTTGGTGAGGAAGGTGAAGCACTCAGTTGCCTTCTCGGGCCTCGGC-3'